The following is an entry in ClinVar:

NM_000537.4(REN):c.98G>A (p.Arg33Gln)

Genes: REN (renin; minus strand), LOC107548112 (REN promoter and enhancer region; plus strand). Cytogenetic location: 1q32.1.
Variant type: single nucleotide variant.
Coding change: c.98G>A on transcript NM_000537.4 (MANE Select); coding-DNA position 98, G replaced by A.
Protein change: p.Arg33Gln; replaces arginine 33 with glutamine.
Molecular consequence: missense variant.
Genome position (GRCh38, 1-based): chr1:204,166,196, C>T on the plus strand (G>A on the coding strand, the complement: REN is on the minus strand). VCF-style: chr1-204166196-C-T. GRCh37 (hg19) VCF-style: chr1-204135324-C-T.
Other names: short protein forms R33Q.
Identifiers: ClinVar variation 2202922 (VCV002202922.5), dbSNP rs375880823, ClinGen allele CA1345072.

ClinVar aggregate classification (germline): Uncertain significance. Review status: criteria provided, multiple submitters, no conflicts (2 of 4 stars). 2 submissions from 2 submitters: Uncertain significance (2). Last evaluated 2024-05-15.

Conditions:
Renal tubular dysgenesis of genetic origin. Also called: PRIMITIVE RENAL TUBULE SYNDROME. Identifiers: Orphanet 97369, MedGen C5681536, MONDO:0009970, OMIM 267430.
Familial juvenile hyperuricemic nephropathy type 2 (ADTKD4). Also called: EARLY-ONSET HYPERURICEMIA, ANEMIA, AND PROGRESSIVE KIDNEY FAILURE; Autosomal Dominant Tubulointerstitial Kidney Disease – REN. Identifiers: Orphanet 217330, MedGen C2751310, MONDO:0013128, OMIM 613092.

Allele frequency attached by ClinVar (database versions not stated): TOPMed below 0.00001; ExAC 0.00001; gnomAD 0.00001; gnomAD exomes 0.00002; ESP Exome Variant Server 0.00008.

Submissions (2):

Fulgent Genetics
Classification: Uncertain significance for Renal tubular dysgenesis of genetic origin; Familial juvenile hyperuricemic nephropathy type 2. Last evaluated: 2024-05-15. Review status: criteria provided, single submitter. Criteria: ACMG Guidelines, 2015. Collection method: clinical testing. Allele origin: germline.

Labcorp Genetics (formerly Invitae), Labcorp
Classification: Uncertain significance. Last evaluated: 2022-05-09. Review status: criteria provided, single submitter. Criteria: Invitae Variant Classification Sherloc (09022015). Collection method: clinical testing. Allele origin: germline.
Comment: This variant is present in population databases (rs375880823, gnomAD 0.003%). In summary, the available evidence is currently insufficient to determine the role of this variant in disease. Therefore, it has been classified as a Variant of Uncertain Significance. Variants that disrupt the consensus splice site are a relatively common cause of aberrant splicing (PMID: 17576681, 9536098). Algorithms developed to predict the effect of sequence changes on RNA splicing suggest that this variant may disrupt the consensus splice site. Algorithms developed to predict the effect of missense changes on protein structure and function are either unavailable or do not agree on the potential impact of this missense change (SIFT: "Deleterious"; PolyPhen-2: "Probably Damaging"; Align-GVGD: "Class C0"). This missense change has been observed in individual(s) with clinical features of renal tubular dysgenesis (PMID: 22095942). This sequence change replaces arginine, which is basic and polar, with glutamine, which is neutral and polar, at codon 33 of the REN protein (p.Arg33Gln). This variant also falls at the last nucleotide of exon 1, which is part of the consensus splice site for this exon.

Literature cited by the submitters: PubMed 17576681 (cited by Labcorp Genetics (formerly Invitae), Labcorp); PubMed 9536098 (cited by Labcorp Genetics (formerly Invitae), Labcorp); PubMed 22095942 (cited by Labcorp Genetics (formerly Invitae), Labcorp).